The following is an entry in ClinVar:

ClinVar aggregate classification (germline): Uncertain significance. Review status: criteria provided, multiple submitters, no conflicts (2 of 4 stars). 3 submissions from 3 submitters: Uncertain significance (3). Last evaluated 2025-05-20.

Conditions:
Inborn genetic diseases. Identifiers: MedGen C0950123, MeSH D030342.

Allele frequency attached by ClinVar (database versions not stated): gnomAD exomes 0.00001 and 0.00003; gnomAD 0.00003 and 0.00004; TOPMed 0.00003.
gnomAD v4.1: 43 of 1,606,494 alleles (0.0027%); highest among the groups gnomAD compares: Non-Finnish European, 0.0034%; no homozygotes.

Submissions (3):

Ambry Genetics
Classification: Uncertain significance for Inborn genetic diseases. Last evaluated: 2025-05-20. Review status: criteria provided, single submitter. Criteria: Ambry Variant Classification Scheme 2023. Collection method: clinical testing. Allele origin: germline.

Blueprint Genetics
Classification: Uncertain significance. Last evaluated: 2024-01-11. Review status: criteria provided, single submitter. Criteria: ACMG Guidelines, 2015. Collection method: clinical testing. Allele origin: germline.

GeneDx
Classification: Uncertain significance. Last evaluated: 2022-09-23. Review status: criteria provided, single submitter. Criteria: GeneDx Variant Classification Process June 2021. Collection method: clinical testing. Allele origin: germline. Affected: yes.
Comment: See Variant Classification Assertion Criteria.

NM_025136.4(OPA3):c.423G>C (p.Gln141His)

Genes: OPA3 (outer mitochondrial membrane lipid metabolism regulator OPA3; minus strand), OPA3-RTN2 (OPA3-RTN2 readthrough; minus strand). Cytogenetic location: 19q13.32.
Variant type: single nucleotide variant.
Coding change: c.423G>C on transcript NM_025136.4 (MANE Select); coding-DNA position 423, G replaced by C.
Protein change: p.Gln141His; replaces glutamine 141 with histidine.
Molecular consequence: missense variant. On other transcripts: intron variant (1).
Genome position (GRCh38, 1-based): chr19:45,553,631, C>G on the plus strand (G>C on the coding strand, the complement: OPA3 is on the minus strand). VCF-style: chr19-45553631-C-G. GRCh37 (hg19) VCF-style: chr19-46056889-C-G.
Other names: p.Q141H:CAG>CAC; c.143-24175G>C (NM_001017989.3); short protein forms Q141H.
Identifiers: ClinVar variation 214923 (VCV000214923.5), dbSNP rs863224144, ClinGen allele CA325384.